The following is an entry in ClinVar:

ClinVar aggregate classification (germline): Uncertain significance. Review status: criteria provided, multiple submitters, no conflicts (2 of 4 stars). 3 submissions from 3 submitters: Uncertain significance (3). Last evaluated 2026-07-13.

Conditions:
Inborn genetic diseases. Identifiers: MedGen C0950123, MeSH D030342.

gnomAD v4.1: 2 of 1,593,608 alleles (0.00013%); highest among the groups gnomAD compares: Admixed American, 0.0035%; no homozygotes.

Submissions (3):

Ambry Genetics
Classification: Uncertain significance for Inborn genetic diseases. Last evaluated: 2026-07-13. Review status: criteria provided, single submitter. Criteria: Ambry Variant Classification Scheme 2023. Collection method: clinical testing. Allele origin: germline.
Comment: The c.524A>T (p.D175V) alteration is located in exon 5 (coding exon 5) of the DPF2 gene. This alteration results from a A to T substitution at nucleotide position 524, causing the aspartic acid (D) at amino acid position 175 to be replaced by a valine (V). Based on data from gnomAD, the T allele has an overall frequency of <0.001% (1/216674) total alleles studied. The highest observed frequency was 0.003% (1/30748) of Latino alleles. Based on insufficient or conflicting evidence, the clinical significance of this alteration remains unclear.

GeneDx
Classification: Uncertain significance. Last evaluated: 2025-05-05. Review status: criteria provided, single submitter. Criteria: GeneDx Variant Classification Process June 2021. Collection method: clinical testing. Allele origin: germline. Affected: yes.
Comment: In silico analysis supports that this missense variant has a deleterious effect on protein structure/function; Has not been previously published as pathogenic or benign to our knowledge

Labcorp Genetics (formerly Invitae), Labcorp
Classification: Uncertain significance. Last evaluated: 2025-04-11. Review status: criteria provided, single submitter. Criteria: Invitae Variant Classification Sherloc (09022015). Collection method: clinical testing. Allele origin: germline.
Comment: This sequence change replaces aspartic acid, which is acidic and polar, with valine, which is neutral and non-polar, at codon 175 of the DPF2 protein (p.Asp175Val). The frequency data for this variant in the population databases is considered unreliable, as metrics indicate poor data quality at this position in the gnomAD database. This variant has not been reported in the literature in individuals affected with DPF2-related conditions. An algorithm developed to predict the effect of missense changes on protein structure and function (PolyPhen-2) suggests that this variant is likely to be tolerated. In summary, the available evidence is currently insufficient to determine the role of this variant in disease. Therefore, it has been classified as a Variant of Uncertain Significance.

NM_006268.5(DPF2):c.524A>T (p.Asp175Val)

Gene: DPF2 (double PHD fingers 2; plus strand). Cytogenetic location: 11q13.1.
Variant type: single nucleotide variant.
Coding change: c.524A>T on transcript NM_006268.5 (MANE Select); coding-DNA position 524, A replaced by T.
Protein change: p.Asp175Val; replaces aspartic acid 175 with valine.
Molecular consequence: missense variant.
Genome position (GRCh38, 1-based): chr11:65,343,803, A>T. VCF-style: chr11-65343803-A-T. GRCh37 (hg19) VCF-style: chr11-65111274-A-T.
Other names: c.524A>T, p.Asp175Val (NM_001330308.2); short protein forms D175V.
Identifiers: ClinVar variation 4528155 (VCV004528155.3).